The following is an entry in ClinVar:

NM_003268.6(TLR5):c.456A>C (p.Leu152=)

Gene: TLR5 (toll like receptor 5; minus strand). Cytogenetic location: 1q41.
Variant type: single nucleotide variant.
Coding change: c.456A>C on transcript NM_003268.6 (MANE Select); coding-DNA position 456, A replaced by C.
Protein change: p.Leu152=; no amino-acid change (leucine 152 retained).
Molecular consequence: synonymous variant.
Genome position (GRCh38, 1-based): chr1:223,112,576, T>G on the plus strand (A>C on the coding strand, the complement: TLR5 is on the minus strand). VCF-style: chr1-223112576-T-G. GRCh37 (hg19) VCF-style: chr1-223285918-T-G.
Identifiers: ClinVar variation 2639918 (VCV002639918.24), dbSNP rs147636573, ClinGen allele CA1409992.

ClinVar aggregate classification (germline): Likely benign (1 of 4 stars; one submission).

Allele frequency attached by ClinVar (database versions not stated): TOPMed 0.00022; ESP Exome Variant Server 0.00038.
gnomAD v4.1: 719 of 1,614,132 alleles (0.045%); highest among the groups gnomAD compares: Non-Finnish European, 0.043%; no homozygotes.

Submission:

CeGaT Center for Human Genetics Tuebingen
Classification: Likely benign. Last evaluated: 2023-01-01. Review status: criteria provided, single submitter. Criteria: CeGaT Center For Human Genetics Tuebingen Variant Classification Criteria Version 2. Collection method: clinical testing. Allele origin: germline. Affected: yes. Observed: 1 variant allele.
Comment: TLR5: BP4, BP7